The following is an entry in ClinVar:

NM_025099.6(CTC1):c.166A>C (p.Asn56His)

Gene: CTC1 (CST telomere replication complex component 1; minus strand). Cytogenetic location: 17p13.1.
Variant type: single nucleotide variant.
Coding change: c.166A>C on transcript NM_025099.6 (MANE Select); coding-DNA position 166, A replaced by C.
Protein change: p.Asn56His; replaces asparagine 56 with histidine.
Molecular consequence: missense variant. On other transcripts: non-coding transcript variant (1).
Genome position (GRCh38, 1-based): chr17:8,243,016, T>G on the plus strand (A>C on the coding strand, the complement: CTC1 is on the minus strand). VCF-style: chr17-8243016-T-G. GRCh37 (hg19) VCF-style: chr17-8146334-T-G.
Other names: c.166A>C, p.Asn56His (NM_001411067.1); short protein forms N56H.
Identifiers: ClinVar variation 2051474 (VCV002051474.4), dbSNP rs750084687, ClinGen allele CA8372701.

ClinVar aggregate classification (germline): Uncertain significance (1 of 4 stars; one submission).

Conditions:
Dyskeratosis congenita. Identifiers: Orphanet 1775, MedGen C0265965, MONDO:0015780.

Allele frequency attached by ClinVar (database versions not stated): gnomAD exomes below 0.00001; TOPMed below 0.00001; ExAC 0.00001; gnomAD 0.00001.
gnomAD v4.1: 3 of 1,613,462 alleles (0.00019%); highest among the groups gnomAD compares: African/African-American, 0.0027%; no homozygotes.

Submission:

Labcorp Genetics (formerly Invitae), Labcorp
Classification: Uncertain significance for Dyskeratosis congenita. Last evaluated: 2022-08-19. Review status: criteria provided, single submitter. Criteria: Invitae Variant Classification Sherloc (09022015). Collection method: clinical testing. Allele origin: germline.
Comment: This sequence change replaces asparagine, which is neutral and polar, with histidine, which is basic and polar, at codon 56 of the CTC1 protein (p.Asn56His). This variant is present in population databases (rs750084687, gnomAD 0.004%). This variant has not been reported in the literature in individuals affected with CTC1-related conditions. Algorithms developed to predict the effect of missense changes on protein structure and function output the following: SIFT: "Deleterious"; PolyPhen-2: "Benign"; Align-GVGD: "Class C0". The histidine amino acid residue is found in multiple mammalian species, which suggests that this missense change does not adversely affect protein function. In summary, the available evidence is currently insufficient to determine the role of this variant in disease. Therefore, it has been classified as a Variant of Uncertain Significance.